The following is an entry in ClinVar:

NM_153717.3(EVC):c.2041G>A (p.Glu681Lys)

Gene: EVC (EvC ciliary complex subunit 1; plus strand). Cytogenetic location: 4p16.2.
Variant type: single nucleotide variant.
Coding change: c.2041G>A on transcript NM_153717.3 (MANE Select); coding-DNA position 2041, G replaced by A.
Protein change: p.Glu681Lys; replaces glutamic acid 681 with lysine.
Molecular consequence: missense variant.
Genome position (GRCh38, 1-based): chr4:5,797,176, G>A. VCF-style: chr4-5797176-G-A. GRCh37 (hg19) VCF-style: chr4-5798903-G-A.
Other names: c.2041G>A, p.Glu681Lys (NM_001306090.2); short protein forms E681K.
Identifiers: ClinVar variation 766969 (VCV000766969.15), dbSNP rs201877358, ClinGen allele CA2836356.

ClinVar aggregate classification (germline): Conflicting classifications of pathogenicity. Review status: criteria provided, conflicting classifications (1 of 4 stars). 4 submissions from 4 submitters: Uncertain significance (2); Likely benign (1). 1 of the submissions does not count toward it. Last evaluated 2024-11-25.

Conditions:
Curry-Hall syndrome (WAD). Also called: WEYERS ACRODENTAL DYSOSTOSIS. Identifiers: Orphanet 952, MedGen C0457013, MONDO:0008673, OMIM 193530.
Ellis-van Creveld syndrome (EVC). Also called: MESOECTODERMAL DYSPLASIA; Chondroectodermal dysplasia. Identifiers: Orphanet 289, MedGen C0013903, MONDO:0009162, OMIM 225500.

Allele frequency attached by ClinVar (database versions not stated): TOPMed 0.00006; gnomAD 0.00007 and 0.00013; 1000 Genomes Project 30x 0.00141; 1000 Genomes Project 0.00180.
gnomAD v4.1: 80 of 1,613,414 alleles (0.005%); highest among the groups gnomAD compares: East Asian, 0.17%; no homozygotes.

Submissions (4):

Labcorp Genetics (formerly Invitae), Labcorp
Classification: Likely benign for Curry-Hall syndrome; Ellis-van Creveld syndrome. Last evaluated: 2024-11-25. Review status: criteria provided, single submitter. Criteria: Invitae Variant Classification Sherloc (09022015). Collection method: clinical testing. Allele origin: germline.

GeneDx
Classification: Uncertain significance. Last evaluated: 2024-11-19. Review status: criteria provided, single submitter. Criteria: GeneDx Variant Classification Process June 2021. Collection method: clinical testing. Allele origin: germline. Affected: yes.
Comment: In silico analysis indicates that this missense variant does not alter protein structure/function; Has not been previously published as pathogenic or benign to our knowledge

Blueprint Genetics
Classification: Uncertain significance. Last evaluated: 2024-10-03. Review status: criteria provided, single submitter. Criteria: ACMG Guidelines, 2015. Collection method: clinical testing. Allele origin: germline.

Natera, Inc.
Classification: Uncertain significance for Ellis-van Creveld syndrome. Last evaluated: 2019-12-13. Review status: no assertion criteria provided. Collection method: clinical testing. Allele origin: germline. Not counted in ClinVar's aggregate classification.